The following is an entry in ClinVar:

ClinVar aggregate classification (germline): Uncertain significance. Review status: criteria provided, multiple submitters, no conflicts (2 of 4 stars). 2 submissions from 2 submitters: Uncertain significance (2). Last evaluated 2018-07-30.

Conditions:
Emery-Dreifuss muscular dystrophy 4, autosomal dominant (EDMD4). Also called: EMERY-DREIFUSS MUSCULAR DYSTROPHY 4 WITH VARIABLE FEATURES. Identifiers: Orphanet 261, MedGen C2751807, MONDO:0013071, OMIM 612998.
Autosomal recessive ataxia, Beauce type. Also called: SYNE1 Deficiency; Spinocerebellar ataxia, autosomal recessive 8; SYNE1-Related Autosomal Recessive Cerebellar Ataxia; ATAXIA, RECESSIVE, OF BEAUCE. Identifiers: Orphanet 88644, MedGen C1853116, MONDO:0012549, OMIM 610743.

Submissions (2):

Labcorp Genetics (formerly Invitae), Labcorp
Classification: Uncertain significance for Emery-Dreifuss muscular dystrophy 4, autosomal dominant; Autosomal recessive ataxia, Beauce type. Last evaluated: 2018-07-30. Review status: criteria provided, single submitter. Criteria: Invitae Variant Classification Sherloc (09022015). Collection method: clinical testing. Allele origin: germline.
Comment: This variant, c.13641_13643delTCT, results in the deletion of 1 amino acid of the SYNE1 protein (p.Leu4549del), but otherwise preserves the integrity of the reading frame. This variant is not present in population databases (ExAC no frequency). This variant has not been reported in the literature in individuals with SYNE1-related disease. ClinVar contains an entry for this variant (Variation ID: 426409). Experimental studies and prediction algorithms are not available for this variant, and the functional significance of the deleted amino acid is currently unknown. In summary, the available evidence is currently insufficient to determine the role of this variant in disease. Therefore, it has been classified as a Variant of Uncertain Significance.

GeneDx
Classification: Uncertain significance. Last evaluated: 2017-04-18. Review status: criteria provided, single submitter. Criteria: GeneDx Variant Classification (06012015). Collection method: clinical testing. Allele origin: germline. Affected: yes.
Comment: A variant of uncertain significance has been identified in the SYNE1 gene. The c.13641_13643delTCT variant has not been published as a pathogenic variant, nor has it been reported as a benign variant to our knowledge. The c.13641_13643delTCT variant is not observed in large population cohorts (Lek et al., 2016; 1000 Genomes Consortium et al., 2015; Exome Variant Server). The c.13641_13643delTCT variant results in an in-frame deletion of a single Leucine residue, denoted p.Leu4549del. This variant occurs at a position that is conserved across species. However, in-frame deletions and duplications have not been reported in the Human Gene Mutation Database in association with SYNE1-related disorders (Stenson et al., 2014). Therefore, based on the currently available information, it is unclear whether this variant is a pathogenic variant or a rare benign variant.

NM_182961.4(SYNE1):c.13851TCT[1] (p.Leu4620del)

Gene: SYNE1 (spectrin repeat containing nuclear envelope protein 1; minus strand). Cytogenetic location: 6q25.2.
Variant type: Microsatellite.
Coding change: c.13851TCT[1] on transcript NM_182961.4 (MANE Select); one copy of the 3-base unit TCT starting at c.13851; the reference has two copies in a row; one copy, 3 bases deleted.
Protein change: p.Leu4620del; deletes leucine 4620.
Molecular consequence: inframe deletion.
Genome position (GRCh38, 1-based): chr6:152,330,829-152,330,831, AGA deleted on the plus strand (TCT on the coding strand, the reverse complement: SYNE1 is on the minus strand); deleting any 3 consecutive bases within chr6:152,330,829-152,330,834 gives the same sequence; the position shown is the placement nearest the transcript's 3' end. VCF-style (leftmost placement, unchanged base first): chr6-152330828-TAGA-T. GRCh37 (hg19) VCF-style: chr6-152651963-TAGA-T.
Other names: c.13641_13643delTCT (NM_033071.3); c.13638TCT[1], p.Leu4549del (NM_033071.5); short protein forms L4549del, L4620del.
Identifiers: ClinVar variation 426409 (VCV000426409.10), dbSNP rs1085307610, ClinGen allele CA571437845.